The following is an entry in ClinVar:

NM_001083961.2(WDR62):c.4549C>T (p.Arg1517Trp)

Gene: WDR62 (WD repeat domain 62; plus strand). Cytogenetic location: 19q13.12.
Variant type: single nucleotide variant.
Coding change: c.4549C>T on transcript NM_001083961.2 (MANE Select); coding-DNA position 4549, C replaced by T.
Protein change: p.Arg1517Trp; replaces arginine 1517 with tryptophan.
Molecular consequence: missense variant.
Genome position (GRCh38, 1-based): chr19:36,105,005, C>T. VCF-style: chr19-36105005-C-T. GRCh37 (hg19) VCF-style: chr19-36595907-C-T.
Other names: p.Arg1517Trp; c.4534C>T, p.Arg1512Trp (NM_173636.5); short protein forms R1517W, R1512W.
Identifiers: ClinVar variation 287119 (VCV000287119.15), dbSNP rs373621531, ClinGen allele CA9396603.
Genomic context (GRCh38, chr19:36,105,005, plus strand): 5'-GCCAGCCCAGACCTGCAGGCCCTGCTGGAACACTACTCGGAGCTGCTGGTGCAGGCCGTG[C>T]GGAGGAAGGCACGGGGGCACTGAGGGCGCAGCCCCTCCACCGCAGCCCTGCTGCTTCTGA-3'
Protein context (NP_001077430.1, residues 1507-1523): HYSELLVQAV[Arg1517Trp]RKARGH

ClinVar aggregate classification (germline): Uncertain significance. Review status: criteria provided, multiple submitters, no conflicts (2 of 4 stars). 5 submissions from 5 submitters: Uncertain significance (5). Last evaluated 2022-06-03.

Conditions:
Inborn genetic diseases. Identifiers: MedGen C0950123, MeSH D030342.

Allele frequency attached by ClinVar (database versions not stated): gnomAD exomes 0.00005 and 0.00013; ESP Exome Variant Server 0.00008; ExAC 0.00019; gnomAD 0.00022 and 0.00025; TOPMed 0.00026.
gnomAD v4.1: 112 of 1,600,360 alleles (0.007%); highest among the groups gnomAD compares: African/African-American, 0.066%; no homozygotes.

Submissions (5):

Labcorp Genetics (formerly Invitae), Labcorp
Classification: Uncertain significance. Last evaluated: 2022-06-03. Review status: criteria provided, single submitter. Criteria: Invitae Variant Classification Sherloc (09022015). Collection method: clinical testing. Allele origin: germline.
Comment: This sequence change replaces arginine, which is basic and polar, with tryptophan, which is neutral and slightly polar, at codon 1517 of the WDR62 protein (p.Arg1517Trp). This variant is present in population databases (rs373621531, gnomAD 0.05%). This variant has not been reported in the literature in individuals affected with WDR62-related conditions. ClinVar contains an entry for this variant (Variation ID: 287119). Algorithms developed to predict the effect of missense changes on protein structure and function are either unavailable or do not agree on the potential impact of this missense change (SIFT: "Deleterious"; PolyPhen-2: "Probably Damaging"; Align-GVGD: "Class C0"). In summary, the available evidence is currently insufficient to determine the role of this variant in disease. Therefore, it has been classified as a Variant of Uncertain Significance.

Mayo Clinic Laboratories, Mayo Clinic
Classification: Uncertain significance. Last evaluated: 2021-11-26. Review status: criteria provided, single submitter. Criteria: ACMG Guidelines, 2015. Collection method: clinical testing. Allele origin: germline.

Ambry Genetics
Classification: Uncertain significance for Inborn genetic diseases. Last evaluated: 2020-12-04. Review status: criteria provided, single submitter. Criteria: Ambry Variant Classification Scheme 2023. Collection method: clinical testing. Allele origin: germline.

Genetic Services Laboratory, University of Chicago
Classification: Uncertain significance. Last evaluated: 2018-06-08. Review status: criteria provided, single submitter. Criteria: ACMG Guidelines, 2015. Collection method: clinical testing. Allele origin: germline. Affected: no.

Eurofins Ntd Llc (ga)
Classification: Uncertain significance. Last evaluated: 2016-04-06. Review status: criteria provided, single submitter. Criteria: EGL Classification Definitions 2015. Collection method: clinical testing. Allele origin: germline. Observed: 1 variant allele, 1 heterozygote.